The following is an entry in ClinVar:

ClinVar aggregate classification (germline): Uncertain significance (1 of 4 stars; one submission).

Conditions:
F5-related disorder. Also called: F5-related condition.

gnomAD v4.1: 7 of 1,613,726 alleles (0.00043%); highest among the groups gnomAD compares: Non-Finnish European, 0.00051%; no homozygotes.

Submission:

PreventionGenetics, part of Exact Sciences
Classification: Uncertain significance for F5-related condition. Last evaluated: 2025-02-13. Review status: criteria provided, single submitter. Criteria: ACMG Guidelines, 2015. Collection method: clinical testing. Allele origin: germline.
Comment: The F5 c.5372C>T variant is predicted to result in the amino acid substitution p.Ser1791Phe. To our knowledge, this variant has not been reported in the literature. This variant is reported in 0.00088% of alleles in individuals of European (Non-Finnish) descent in gnomAD. At this time, the clinical significance of this variant is uncertain due to the absence of conclusive functional and genetic evidence.

NM_000130.5(F5):c.5372C>T (p.Ser1791Phe)

Gene: F5 (coagulation factor V; minus strand). Cytogenetic location: 1q24.2.
Variant type: single nucleotide variant.
Coding change: c.5372C>T on transcript NM_000130.5 (MANE Select); coding-DNA position 5372, C replaced by T.
Protein change: p.Ser1791Phe; replaces serine 1791 with phenylalanine.
Molecular consequence: missense variant.
Genome position (GRCh38, 1-based): chr1:169,529,655, G>A on the plus strand (C>T on the coding strand, the complement: F5 is on the minus strand). VCF-style: chr1-169529655-G-A. GRCh37 (hg19) VCF-style: chr1-169498893-G-A.
Other names: short protein forms S1791F.
Identifiers: ClinVar variation 4980968 (VCV004980968.1).